The following is an entry in ClinVar:

ClinVar aggregate classification (germline): Uncertain significance (1 of 4 stars; one submission).

Conditions:
Familial cancer of breast. Also called: BREAST CANCER, FAMILIAL; hereditary breast carcinoma; Hereditary breast cancer. Identifiers: Orphanet 227535, MedGen C0346153, MONDO:0016419, OMIM 114480. Disease mechanism: loss of function.

Submission:

Labcorp Genetics (formerly Invitae), Labcorp
Classification: Uncertain significance for Familial cancer of breast. Last evaluated: 2022-11-12. Review status: criteria provided, single submitter. Criteria: Invitae Variant Classification Sherloc (09022015). Collection method: clinical testing. Allele origin: germline.
Comment: This sequence change replaces glutamic acid, which is acidic and polar, with aspartic acid, which is acidic and polar, at codon 384 of the PALB2 protein (p.Glu384Asp). This variant is not present in population databases (gnomAD no frequency). This variant has not been reported in the literature in individuals affected with PALB2-related conditions. Advanced modeling of protein sequence and biophysical properties (such as structural, functional, and spatial information, amino acid conservation, physicochemical variation, residue mobility, and thermodynamic stability) performed at Invitae indicates that this missense variant is not expected to disrupt PALB2 protein function. In summary, the available evidence is currently insufficient to determine the role of this variant in disease. Therefore, it has been classified as a Variant of Uncertain Significance.

NM_024675.4(PALB2):c.1152A>C (p.Glu384Asp)

Gene: PALB2 (partner and localizer of BRCA2; minus strand). Cytogenetic location: 16p12.2.
Variant type: single nucleotide variant.
Coding change: c.1152A>C on transcript NM_024675.4 (MANE Select); coding-DNA position 1152, A replaced by C.
Protein change: p.Glu384Asp; replaces glutamic acid 384 with aspartic acid.
Molecular consequence: missense variant. On other transcripts: intron variant (3).
Genome position (GRCh38, 1-based): chr16:23,635,394, T>G on the plus strand (A>C on the coding strand, the complement: PALB2 is on the minus strand). VCF-style: chr16-23635394-T-G. GRCh37 (hg19) VCF-style: chr16-23646715-T-G.
Other names: c.1092A>C, p.Glu364Asp (NM_001407296.1); c.1152A>C, p.Glu384Asp (NM_001407297.1, NM_001407298.1, NM_001407299.1 and 3 more transcripts); c.267A>C, p.Glu89Asp (NM_001407304.1, NM_001407305.1, NM_001407306.1 and 5 more transcripts); c.48+5716A>C (NM_001407314.1); c.-104-4925A>C (NM_001407313.1, NM_001407312.1); short protein forms E384D, E89D, E364D.
Identifiers: ClinVar variation 2813885 (VCV002813885.3), dbSNP rs1567221490, ClinGen allele CA395133536.